The following is an entry in ClinVar:

NM_015346.4(ZFYVE26):c.5453G>C (p.Cys1818Ser)

Gene: ZFYVE26 (zinc finger FYVE-type containing 26; minus strand). Cytogenetic location: 14q24.1.
Variant type: single nucleotide variant.
Coding change: c.5453G>C on transcript NM_015346.4 (MANE Select); coding-DNA position 5453, G replaced by C.
Protein change: p.Cys1818Ser; replaces cysteine 1818 with serine.
Molecular consequence: missense variant.
Genome position (GRCh38, 1-based): chr14:67,772,078, C>G on the plus strand (G>C on the coding strand, the complement: ZFYVE26 is on the minus strand). VCF-style: chr14-67772078-C-G. GRCh37 (hg19) VCF-style: chr14-68238795-C-G.
Other names: short protein forms C1818S.
Identifiers: ClinVar variation 1464169 (VCV001464169.8), dbSNP rs2140207338, ClinGen allele CA390167295.
Genomic context (GRCh38, chr14:67,772,078, plus strand): 5'-GGGTGACAGTGGAGACCGATGCTGCTTACCATGGTGAAGTGCTCCCTGCAGCAGACCATG[C>G]AGATACTCTCAGTCTCATCCGGTACCCACTGGTGCCTGGCAGGGGGTGTCGCTGGGGGCA-3'
Protein context (NP_056161.2, residues 1808-1828): QWVPDETESI[Cys1818Ser]MVCCREHFTM

ClinVar aggregate classification (germline): Uncertain significance (1 of 4 stars; one submission).

Conditions:
Spastic paraplegia. Identifiers: MedGen C0037772, HP:0001258.

Submission:

Labcorp Genetics (formerly Invitae), Labcorp
Classification: Uncertain significance for Spastic paraplegia. Last evaluated: 2023-08-17. Review status: criteria provided, single submitter. Criteria: Invitae Variant Classification Sherloc (09022015). Collection method: clinical testing. Allele origin: germline.
Comment: In summary, the available evidence is currently insufficient to determine the role of this variant in disease. Therefore, it has been classified as a Variant of Uncertain Significance. This sequence change replaces cysteine, which is neutral and slightly polar, with serine, which is neutral and polar, at codon 1818 of the ZFYVE26 protein (p.Cys1818Ser). This variant is not present in population databases (gnomAD no frequency). This variant has not been reported in the literature in individuals affected with ZFYVE26-related conditions. ClinVar contains an entry for this variant (Variation ID: 1464169). An algorithm developed to predict the effect of missense changes on protein structure and function (PolyPhen-2) suggests that this variant is likely to be disruptive.